The following is an entry in ClinVar:

ClinVar aggregate classification (germline): Uncertain significance (1 of 4 stars; one submission).

Allele frequency attached by ClinVar (database versions not stated): gnomAD exomes below 0.00001.
gnomAD v4.1: 1 of 1,614,112 alleles (0.000062%); highest among the groups gnomAD compares: Non-Finnish European, 0.000085%; no homozygotes.

Submission:

Labcorp Genetics (formerly Invitae), Labcorp
Classification: Uncertain significance. Last evaluated: 2022-08-20. Review status: criteria provided, single submitter. Criteria: Invitae Variant Classification Sherloc (09022015). Collection method: clinical testing. Allele origin: germline.
Comment: This sequence change replaces proline, which is neutral and non-polar, with serine, which is neutral and polar, at codon 571 of the MARS2 protein (p.Pro571Ser). In summary, the available evidence is currently insufficient to determine the role of this variant in disease. Therefore, it has been classified as a Variant of Uncertain Significance. Algorithms developed to predict the effect of missense changes on protein structure and function output the following: SIFT: "Tolerated"; PolyPhen-2: "Benign"; Align-GVGD: "Class C0". The serine amino acid residue is found in multiple mammalian species, which suggests that this missense change does not adversely affect protein function. This variant has not been reported in the literature in individuals affected with MARS2-related conditions. This variant is not present in population databases (gnomAD no frequency).

NM_138395.4(MARS2):c.1711C>T (p.Pro571Ser)

Gene: MARS2 (methionyl-tRNA synthetase 2, mitochondrial; plus strand). Cytogenetic location: 2q33.1.
Variant type: single nucleotide variant.
Coding change: c.1711C>T on transcript NM_138395.4 (MANE Select); coding-DNA position 1711, C replaced by T.
Protein change: p.Pro571Ser; replaces proline 571 with serine.
Molecular consequence: missense variant.
Genome position (GRCh38, 1-based): chr2:197,707,116, C>T. VCF-style: chr2-197707116-C-T. GRCh37 (hg19) VCF-style: chr2-198571840-C-T.
Other names: short protein forms P571S.
Identifiers: ClinVar variation 2047264 (VCV002047264.4), dbSNP rs2089483226, ClinGen allele CA350215675.